The following is an entry in ClinVar:

ClinVar aggregate classification (germline): Uncertain significance (1 of 4 stars; one submission).

Submission:

Labcorp Genetics (formerly Invitae), Labcorp
Classification: Uncertain significance. Last evaluated: 2022-05-25. Review status: criteria provided, single submitter. Criteria: Invitae Variant Classification Sherloc (09022015). Collection method: clinical testing. Allele origin: germline.
Comment: In summary, the available evidence is currently insufficient to determine the role of this variant in disease. Therefore, it has been classified as a Variant of Uncertain Significance. Algorithms developed to predict the effect of missense changes on protein structure and function are either unavailable or do not agree on the potential impact of this missense change (SIFT: "Not Available"; PolyPhen-2: "Benign"; Align-GVGD: "Not Available"). This variant has not been reported in the literature in individuals affected with GABRB1-related conditions. Information on the frequency of this variant in the gnomAD database is not available, as this variant may be reported differently in the database. This sequence change replaces alanine, which is neutral and non-polar, with phenylalanine, which is neutral and non-polar, at codon 413 of the GABRB1 protein (p.Ala413Phe).

NM_000812.4(GABRB1):c.1237_1238delinsTT (p.Ala413Phe)

Gene: GABRB1 (gamma-aminobutyric acid type A receptor subunit beta1; plus strand). Cytogenetic location: 4p12.
Variant type: Indel.
Coding change: c.1237_1238delinsTT on transcript NM_000812.4 (MANE Select); coding-DNA positions 1237 to 1238, GC replaced by TT.
Protein change: p.Ala413Phe; replaces alanine 413 with phenylalanine.
Molecular consequence: missense variant.
Genome position (GRCh38, 1-based): chr4:47,425,830-47,425,831, GC replaced by TT. VCF-style: chr4-47425830-GC-TT. GRCh37 (hg19) VCF-style: chr4-47427847-GC-TT.
Other names: short protein forms A413F.
Identifiers: ClinVar variation 1999001 (VCV001999001.4), dbSNP rs2475516000, ClinGen allele CA2580071040.